The following is an entry in ClinVar:

ClinVar aggregate classification (germline): Uncertain significance (1 of 4 stars; one submission).

Submission:

GeneDx
Classification: Uncertain significance. Last evaluated: 2019-02-12. Review status: criteria provided, single submitter. Criteria: GeneDx Variant Classification Process June 2021. Collection method: clinical testing. Allele origin: germline. Affected: yes.
Comment: Not observed in large population cohorts (Lek et al., 2016; McVean et al., 2012; Exome Variant Server); Has not been previously published as pathogenic or benign to our knowledge

NM_004606.5(TAF1):c.1331G>T (p.Arg444Met)

Gene: TAF1 (TATA-box binding protein associated factor 1; plus strand). Cytogenetic location: Xq13.1.
Variant type: single nucleotide variant.
Coding change: c.1331G>T on transcript NM_004606.5 (MANE Select); coding-DNA position 1331, G replaced by T.
Protein change: p.Arg444Met; replaces arginine 444 with methionine.
Molecular consequence: missense variant. On other transcripts: non-coding transcript variant (9).
Genome position (GRCh38, 1-based): chrX:71,379,002, G>T. VCF-style: chrX-71379002-G-T. GRCh37 (hg19) VCF-style: chrX-70598852-G-T.
Other names: c.1331G>T, p.Arg444Met (NM_001286074.2); c.1268G>T, p.Arg423Met (NM_138923.4); short protein forms R423M, R444M.
Identifiers: ClinVar variation 1308570 (VCV001308570.2), dbSNP rs2148243915, ClinGen allele CA413511038.